The following is an entry in ClinVar:

ClinVar aggregate classification (germline): Pathogenic (1 of 4 stars; one submission).

Conditions:
Rubinstein-Taybi syndrome (RSTS). Identifiers: Orphanet 783, MedGen C0035934, MONDO:0019188.

Submission:

Labcorp Genetics (formerly Invitae), Labcorp
Classification: Pathogenic for Rubinstein-Taybi syndrome. Last evaluated: 2022-04-27. Review status: criteria provided, single submitter. Criteria: Invitae Variant Classification Sherloc (09022015). Collection method: clinical testing. Allele origin: germline.
Comment: This variant disrupts a region of the CREBBP protein in which other variant(s) (p.Thr1447Ile) have been determined to be pathogenic (PMID: 15706485; Invitae). This suggests that this is a clinically significant region of the protein, and that variants that disrupt it are likely to be disease-causing. This variant has been observed in individual(s) with clinical features of CREBBP-related conditions (Invitae). This variant results in the deletion of exons 26-29 and part of exon 30 (c.4281-274_4927del) of the CREBBP gene. It is expected to disrupt RNA splicing. Variants that disrupt the donor or acceptor splice site typically lead to a loss of protein function (PMID: 16199547), and loss-of-function variants in CREBBP are known to be pathogenic (PMID: 17052327, 18792986). For these reasons, this variant has been classified as Pathogenic.

Literature cited by the submitters: PubMed 15706485; PubMed 16199547; PubMed 17052327; PubMed 18792986.

NC_000016.9:g.(?_3781438)_(3788947_?)del

Gene: CREBBP (CREB binding lysine acetyltransferase; minus strand). Cytogenetic location: 16p13.3.
Variant type: Deletion.
Identifiers: ClinVar variation 2425097 (VCV002425097.4).